The following is an entry in ClinVar:

NM_201384.3(PLEC):c.4669G>A (p.Val1557Met)

Gene: PLEC (plectin; minus strand). Cytogenetic location: 8q24.3.
Variant type: single nucleotide variant.
Coding change: c.4669G>A on transcript NM_201384.3 (MANE Select); coding-DNA position 4669, G replaced by A.
Protein change: p.Val1557Met; replaces valine 1557 with methionine.
Molecular consequence: missense variant.
Genome position (GRCh38, 1-based): chr8:143,925,260, C>T on the plus strand (G>A on the coding strand, the complement: PLEC is on the minus strand). VCF-style: chr8-143925260-C-T. GRCh37 (hg19) VCF-style: chr8-144999428-C-T.
Other names: c.4750G>A, p.Val1584Met (NM_000445.5); c.4627G>A, p.Val1543Met (NM_201378.4); c.4603G>A, p.Val1535Met (NM_201379.3); c.5080G>A, p.Val1694Met (NM_201380.4); c.4573G>A, p.Val1525Met (NM_201381.3); c.4669G>A, p.Val1557Met (NM_201382.4); c.4681G>A, p.Val1561Met (NM_201383.3); short protein forms V1535M, V1543M, V1557M, V1694M, V1561M, V1584M, V1525M.
Identifiers: ClinVar variation 2183944 (VCV002183944.4), dbSNP rs782731891, ClinGen allele CA4926584.

ClinVar aggregate classification (germline): Uncertain significance (1 of 4 stars; one submission).

Conditions:
Epidermolysis bullosa simplex 5B, with muscular dystrophy (EBS5B). Also called: EPIDERMOLYSIS BULLOSA SIMPLEX AND LIMB-GIRDLE MUSCULAR DYSTROPHY; Epidermolysis bullosa simplex with muscular dystrophy. Identifiers: Orphanet 257, MedGen C2931072, MONDO:0009181, OMIM 226670.
Autosomal recessive limb-girdle muscular dystrophy type 2Q (LGMDR17). Also called: MUSCULAR DYSTROPHY, LIMB-GIRDLE, AUTOSOMAL RECESSIVE 17. Identifiers: Orphanet 254361, MedGen C3150989, MONDO:0013390, OMIM 613723.
Epidermolysis bullosa simplex, Ogna type (EBS5A). Also called: Pidermolysis bullosa simplex 5A, Ogna type; EPIDERMOLYSIS BULLOSA SIMPLEX 5A, OGNA TYPE. Identifiers: Orphanet 79401, MedGen C0432317, MONDO:0007555, OMIM 131950.
Epidermolysis bullosa simplex 5C, with pyloric atresia (EBS5C). Also called: PLEC-Related Epidermolysis Bullosa with Pyloric Atresia; Epidermolysis bullosa simplex with pyloric atresia; PLEC1-Related Epidermolysis Bullosa with Pyloric Atresia. Identifiers: Orphanet 158684, MedGen C2677349, MONDO:0012807, OMIM 612138.
Epidermolysis bullosa simplex with nail dystrophy (EBS5D). Identifiers: MedGen C4225309, MONDO:0014661, OMIM 616487.

Allele frequency attached by ClinVar (database versions not stated): gnomAD 0.00001; ExAC 0.00002.
gnomAD v4.1: 9 of 1,582,472 alleles (0.00057%); highest among the groups gnomAD compares: South Asian, 0.0079%; no homozygotes.

Submission:

Labcorp Genetics (formerly Invitae), Labcorp
Classification: Uncertain significance for Autosomal recessive limb-girdle muscular dystrophy type 2Q; Epidermolysis bullosa simplex, Ogna type; Epidermolysis bullosa simplex with nail dystrophy; Epidermolysis bullosa simplex 5C, with pyloric atresia; Epidermolysis bullosa simplex 5B, with muscular dystrophy. Last evaluated: 2022-09-13. Review status: criteria provided, single submitter. Criteria: Invitae Variant Classification Sherloc (09022015). Collection method: clinical testing. Allele origin: germline.
Comment: This variant has not been reported in the literature in individuals affected with PLEC-related conditions. In summary, the available evidence is currently insufficient to determine the role of this variant in disease. Therefore, it has been classified as a Variant of Uncertain Significance. Advanced modeling of protein sequence and biophysical properties (such as structural, functional, and spatial information, amino acid conservation, physicochemical variation, residue mobility, and thermodynamic stability) performed at Invitae indicates that this missense variant is not expected to disrupt PLEC protein function. This variant is present in population databases (rs782731891, gnomAD 0.01%). This sequence change replaces valine, which is neutral and non-polar, with methionine, which is neutral and non-polar, at codon 1584 of the PLEC protein (p.Val1584Met).